The following is an entry in ClinVar:

ClinVar aggregate classification (germline): Likely benign. Review status: criteria provided, multiple submitters, no conflicts (2 of 4 stars). 3 submissions from 3 submitters: Likely benign (2). 1 of the submissions does not count toward it. Last evaluated 2025-05-01.

Conditions:
GRIA4-related disorder. Also called: GRIA4-related condition.

Allele frequency attached by ClinVar (database versions not stated): 1000 Genomes Project 30x 0.00016; 1000 Genomes Project 0.00020; ESP Exome Variant Server 0.00031; TOPMed 0.00034.
gnomAD v4.1: 865 of 1,613,950 alleles (0.054%); highest among the groups gnomAD compares: Non-Finnish European, 0.068%; 1 homozygote.

Submissions (3):

CeGaT Center for Human Genetics Tuebingen
Classification: Likely benign. Last evaluated: 2025-05-01. Review status: criteria provided, single submitter. Criteria: CeGaT Center For Human Genetics Tuebingen Variant Classification Criteria Version 2. Collection method: clinical testing. Allele origin: germline. Affected: yes. Observed: 3 variant alleles.
Comment: GRIA4: BP4, BP7

Blueprint Genetics
Classification: Likely benign. Last evaluated: 2024-11-06. Review status: criteria provided, single submitter. Criteria: ACMG Guidelines, 2015. Collection method: clinical testing. Allele origin: germline.

PreventionGenetics, part of Exact Sciences
Classification: Likely benign for GRIA4-related condition. Last evaluated: 2019-03-22. Review status: no assertion criteria provided. Collection method: clinical testing. Allele origin: germline. Not counted in ClinVar's aggregate classification.
Comment: This variant is classified as likely benign based on ACMG/AMP sequence variant interpretation guidelines (Richards et al. 2015 PMID: 25741868, with internal and published modifications).

NM_000829.4(GRIA4):c.2532G>A (p.Ala844=)

Gene: GRIA4 (glutamate ionotropic receptor AMPA type subunit 4; plus strand). Cytogenetic location: 11q22.3.
Variant type: single nucleotide variant.
Coding change: c.2532G>A on transcript NM_000829.4 (MANE Select); coding-DNA position 2532, G replaced by A.
Protein change: p.Ala844=; no amino-acid change (alanine 844 retained).
Molecular consequence: synonymous variant. On other transcripts: non-coding transcript variant (1).
Genome position (GRCh38, 1-based): chr11:105,974,432, G>A. VCF-style: chr11-105974432-G-A. GRCh37 (hg19) VCF-style: chr11-105845159-G-A.
Other names: c.2532G>A, p.Ala844= (NM_001077243.3); c.2532G>A (NM_000829.3).
Identifiers: ClinVar variation 2642344 (VCV002642344.26), dbSNP rs116838366, ClinGen allele CA6258849.